The following is an entry in ClinVar:

ClinVar aggregate classification (germline): Conflicting classifications of pathogenicity. Review status: criteria provided, conflicting classifications (1 of 4 stars). 3 submissions from 3 submitters: Likely pathogenic (1); Uncertain significance (2). Last evaluated 2024-03-19.

Conditions:
Multiple acyl-CoA dehydrogenase deficiency (MADD). Also called: ETHYLMALONIC-ADIPICACIDURIA; GA II; Glutaric Acidemia type 2; Glutaric aciduria, type 2; Glutaric acidemia type II; GA 2. Identifiers: Orphanet 26791, MedGen C0268596, MONDO:0009282, OMIM 231680.

Allele frequency attached by ClinVar (database versions not stated): gnomAD exomes below 0.00001 and 0.00001; gnomAD 0.00001; TOPMed 0.00002.
gnomAD v4.1: 6 of 1,613,100 alleles (0.00037%); highest among the groups gnomAD compares: Non-Finnish European, 0.00042%; no homozygotes.

Submissions (3):

Baylor Genetics
Classification: Likely pathogenic for Multiple acyl-CoA dehydrogenase deficiency. Last evaluated: 2024-03-19. Review status: criteria provided, single submitter. Criteria: ACMG Guidelines, 2015. Collection method: clinical testing. Allele origin: unknown.

Labcorp Genetics (formerly Invitae), Labcorp
Classification: Uncertain significance for Multiple acyl-CoA dehydrogenase deficiency. Last evaluated: 2022-08-20. Review status: criteria provided, single submitter. Criteria: Invitae Variant Classification Sherloc (09022015). Collection method: clinical testing. Allele origin: germline.
Comment: This sequence change replaces isoleucine, which is neutral and non-polar, with threonine, which is neutral and polar, at codon 243 of the ETFDH protein (p.Ile243Thr). This variant is present in population databases (no rsID available, gnomAD 0.0009%). This missense change has been observed in individuals with multiple acyl-CoA dehydrogenase deficiency (PMID: 17060596, 27038534). ClinVar contains an entry for this variant (Variation ID: 1303471). Algorithms developed to predict the effect of missense changes on protein structure and function are either unavailable or do not agree on the potential impact of this missense change (SIFT: "Deleterious"; PolyPhen-2: "Benign"; Align-GVGD: "Class C25"). In summary, the available evidence is currently insufficient to determine the role of this variant in disease. Therefore, it has been classified as a Variant of Uncertain Significance.

GeneDx
Classification: Uncertain significance. Last evaluated: 2021-03-30. Review status: criteria provided, single submitter. Criteria: GeneDx Variant Classification Process June 2021. Collection method: clinical testing. Allele origin: germline. Affected: yes.
Comment: Identified with a second ETFDH variant in patients with multiple acyl-CoA dehydrogenase deficiency in published literature (Koppel et al., 2006; Behin et al., 2016); Not observed at a significant frequency in large population cohorts (Lek et al., 2016); In silico analysis supports that this missense variant has a deleterious effect on protein structure/function; Missense variants in this gene are often considered pathogenic (Stenson et al., 2014); This variant is associated with the following publications: (PMID: 26403312, 27038534, 17060596)

Literature cited by the submitters: PubMed 17060596 (cited by Labcorp Genetics (formerly Invitae), Labcorp); PubMed 27038534 (cited by Labcorp Genetics (formerly Invitae), Labcorp).

NM_004453.4(ETFDH):c.728T>C (p.Ile243Thr)

Gene: ETFDH (electron transfer flavoprotein dehydrogenase; plus strand). Cytogenetic location: 4q32.1.
Variant type: single nucleotide variant.
Coding change: c.728T>C on transcript NM_004453.4 (MANE Select); coding-DNA position 728, T replaced by C.
Protein change: p.Ile243Thr; replaces isoleucine 243 with threonine.
Molecular consequence: missense variant.
Genome position (GRCh38, 1-based): chr4:158,695,540, T>C. VCF-style: chr4-158695540-T-C. GRCh37 (hg19) VCF-style: chr4-159616692-T-C.
Other names: c.587T>C, p.Ile196Thr (NM_001281737.2); c.545T>C, p.Ile182Thr (NM_001281738.1); short protein forms I182T, I196T, I243T.
Identifiers: ClinVar variation 1303471 (VCV001303471.4), dbSNP rs1397900640, ClinGen allele CA358560729.